The following is an entry in ClinVar:

NM_031935.3(HMCN1):c.13747T>C (p.Cys4583Arg)

Gene: HMCN1 (hemicentin 1; plus strand). Cytogenetic location: 1q31.1.
Variant type: single nucleotide variant.
Coding change: c.13747T>C on transcript NM_031935.3 (MANE Select); coding-DNA position 13747, T replaced by C.
Protein change: p.Cys4583Arg; replaces cysteine 4583 with arginine.
Molecular consequence: missense variant.
Genome position (GRCh38, 1-based): chr1:186,137,662, T>C. VCF-style: chr1-186137662-T-C. GRCh37 (hg19) VCF-style: chr1-186106794-T-C.
Other names: c.13747T>C (NM_031935.2); short protein forms C4583R.
Identifiers: ClinVar variation 1924012 (VCV001924012.6), dbSNP rs767192079, ClinGen allele CA1294720.
Genomic context (GRCh38, chr1:186,137,662, plus strand): 5'-AATGGTGGGAAGCCCTGCCAAGGTTCAGATTTGGAAATGCGAAACTGTCAAAATAAGCCT[T>C]GTCCAGGTACACCTCCTTATTTAACTGATAGGCATGTGTTTAATAGACCTTCATTTCTGT-3'
Protein context (NP_114141.2, residues 4573-4593): LEMRNCQNKP[Cys4583Arg]PVDGSWSEWS

ClinVar aggregate classification (germline): Uncertain significance. Review status: criteria provided, multiple submitters, no conflicts (2 of 4 stars). 2 submissions from 2 submitters: Uncertain significance (2). Last evaluated 2025-12-08.

Allele frequency attached by ClinVar (database versions not stated): TOPMed below 0.00001; ExAC 0.00002; gnomAD exomes 0.00002; gnomAD 0.00004.
gnomAD v4.1: 30 of 1,613,944 alleles (0.0019%); highest among the groups gnomAD compares: South Asian, 0.024%; no homozygotes.

Submissions (2):

Ambry Genetics
Classification: Uncertain significance. Last evaluated: 2025-12-08. Review status: criteria provided, single submitter. Criteria: Ambry Variant Classification Scheme 2023. Collection method: clinical testing. Allele origin: germline.

Labcorp Genetics (formerly Invitae), Labcorp
Classification: Uncertain significance. Last evaluated: 2023-09-11. Review status: criteria provided, single submitter. Criteria: Invitae Variant Classification Sherloc (09022015). Collection method: clinical testing. Allele origin: germline.
Comment: ClinVar contains an entry for this variant (Variation ID: 1924012). An algorithm developed to predict the effect of missense changes on protein structure and function (PolyPhen-2) suggests that this variant is likely to be disruptive. In summary, the available evidence is currently insufficient to determine the role of this variant in disease. Therefore, it has been classified as a Variant of Uncertain Significance. This sequence change replaces cysteine, which is neutral and slightly polar, with arginine, which is basic and polar, at codon 4583 of the HMCN1 protein (p.Cys4583Arg). This variant is present in population databases (rs767192079, gnomAD 0.02%). This variant has not been reported in the literature in individuals affected with HMCN1-related conditions.